The following is an entry in ClinVar:

NM_001110556.2(FLNA):c.4078G>A (p.Val1360Ile)

Gene: FLNA (filamin A; minus strand). Cytogenetic location: Xq28.
Variant type: single nucleotide variant.
Coding change: c.4078G>A on transcript NM_001110556.2 (MANE Select); coding-DNA position 4078, G replaced by A.
Protein change: p.Val1360Ile; replaces valine 1360 with isoleucine.
Molecular consequence: missense variant.
Genome position (GRCh38, 1-based): chrX:154,359,548, C>T on the plus strand (G>A on the coding strand, the complement: FLNA is on the minus strand). VCF-style: chrX-154359548-C-T. GRCh37 (hg19) VCF-style: chrX-153587916-C-T.
Other names: c.4078G>A, p.Val1360Ile (NM_001456.4); short protein forms V1360I.
Identifiers: ClinVar variation 3369050 (VCV003369050.2).
Genomic context (GRCh38, chrX:154,359,548, plus strand): 5'-TCTCCACAGTGAACTTGTTGGGCTTGTTGGTGGTGCCACTTTGGATGCCTGGCCCGTGGA[C>T]ACGCACCCGGGAGGGGTCGCAGCCCTCGGTCACGGGCACCTGGAAGGGGCTGCTGGGCAC-3'
Protein context (NP_001104026.1, residues 1350-1370): TEGCDPSRVR[Val1360Ile]HGPGIQSGTT

ClinVar aggregate classification (germline): Uncertain significance (1 of 4 stars; one submission).

gnomAD v4.1: 1 of 1,211,256 alleles (0.000083%); highest among the groups gnomAD compares: South Asian, 0.0018%; no homozygotes.

Submission:

GeneDx
Classification: Uncertain significance. Last evaluated: 2025-12-17. Review status: criteria provided, single submitter. Criteria: GeneDx Variant Classification Process June 2021. Collection method: clinical testing. Allele origin: germline.
Comment: Not observed at significant frequency in large population cohorts (gnomAD); In silico analysis suggests that this missense variant does not alter protein structure/function; Has not been previously published as pathogenic or benign to our knowledge